The following is an entry in ClinVar:

ClinVar aggregate classification (germline): Likely benign (1 of 4 stars; one submission).

Conditions:
VWF-related disorder. Also called: VWF-related disorders; VWF-related condition.

gnomAD v4.1: 2 of 1,613,924 alleles (0.00012%); highest among the groups gnomAD compares: Admixed American, 0.0033%; no homozygotes.

Submission:

PreventionGenetics, part of Exact Sciences
Classification: Likely benign for VWF-related condition. Last evaluated: 2025-10-03. Review status: criteria provided, single submitter. Criteria: ACMG Guidelines, 2015. Collection method: clinical testing. Allele origin: germline.
Comment: This variant is classified as likely benign based on ACMG/AMP sequence variant interpretation guidelines (Richards et al. 2015 PMID: 25741868, with internal and published modifications).

NM_000552.5(VWF):c.1294-8C>T

Gene: VWF (von Willebrand factor; minus strand). Cytogenetic location: 12p13.31.
Variant type: single nucleotide variant.
Coding change: c.1294-8C>T on transcript NM_000552.5 (MANE Select); 8 bases into the intron before coding-DNA position 1294, C replaced by T.
Molecular consequence: intron variant.
Genome position (GRCh38, 1-based): chr12:6,064,392, G>A on the plus strand (C>T on the coding strand, the complement: VWF is on the minus strand). VCF-style: chr12-6064392-G-A. GRCh37 (hg19) VCF-style: chr12-6173558-G-A.
Identifiers: ClinVar variation 4983589 (VCV004983589.1).